The following is an entry in ClinVar:

ClinVar aggregate classification (germline): Uncertain significance (1 of 4 stars; one submission).

Submission:

Labcorp Genetics (formerly Invitae), Labcorp
Classification: Uncertain significance. Last evaluated: 2022-04-19. Review status: criteria provided, single submitter. Criteria: Invitae Variant Classification Sherloc (09022015). Collection method: clinical testing. Allele origin: germline.
Comment: This sequence change replaces threonine, which is neutral and polar, with isoleucine, which is neutral and non-polar, at codon 96 of the ALDH6A1 protein (p.Thr96Ile). This variant is not present in population databases (gnomAD no frequency). This variant has not been reported in the literature in individuals affected with ALDH6A1-related conditions. Advanced modeling of protein sequence and biophysical properties (such as structural, functional, and spatial information, amino acid conservation, physicochemical variation, residue mobility, and thermodynamic stability) performed at Invitae indicates that this missense variant is not expected to disrupt ALDH6A1 protein function. In summary, the available evidence is currently insufficient to determine the role of this variant in disease. Therefore, it has been classified as a Variant of Uncertain Significance.

NM_005589.4(ALDH6A1):c.287C>T (p.Thr96Ile)

Genes: BBOF1 (basal body orientation factor 1; plus strand), ALDH6A1 (aldehyde dehydrogenase 6 family member A1; minus strand). Cytogenetic location: 14q24.3.
Variant type: single nucleotide variant.
Coding change: c.287C>T on transcript NM_005589.4 (MANE Select); coding-DNA position 287, C replaced by T.
Protein change: p.Thr96Ile; replaces threonine 96 with isoleucine.
Molecular consequence: missense variant. On other transcripts: 5 prime UTR variant (1).
Genome position (GRCh38, 1-based): chr14:74,072,264, G>A on the plus strand (C>T on the coding strand, the complement: ALDH6A1 is on the minus strand). VCF-style: chr14-74072264-G-A. GRCh37 (hg19) VCF-style: chr14-74538967-G-A.
Other names: c.287C>T, p.Thr96Ile (NM_001278593.2); c.-339C>T (NM_001278594.2); short protein forms T96I.
Identifiers: ClinVar variation 2128018 (VCV002128018.4), dbSNP rs2060560836, ClinGen allele CA390373069.
Genomic context (GRCh38, chr14:74,072,264, plus strand): 5'-AAGTTTTCTTTAATAAGTTGTTGATAGCGGAGCAAGACCTGCTGGCGGCTTAATACTGAA[G>A]TGTCTGCCCATGCAGGAAAAGCACGTTTGCAGGAAGCAATGGCTGCATCCATTTCTGCCT-3'
Protein context (NP_005580.1, residues 86-106): CKRAFPAWAD[Thr96Ile]SVLSRQQVLL